The following is an entry in ClinVar:

NM_207122.2(EXT2):c.1684C>T (p.Arg562Trp)

Gene: EXT2 (exostosin glycosyltransferase 2; plus strand). Cytogenetic location: 11p11.2.
Variant type: single nucleotide variant.
Coding change: c.1684C>T on transcript NM_207122.2 (MANE Select); coding-DNA position 1684, C replaced by T.
Protein change: p.Arg562Trp; replaces arginine 562 with tryptophan.
Molecular consequence: missense variant.
Genome position (GRCh38, 1-based): chr11:44,232,374, C>T. VCF-style: chr11-44232374-C-T. GRCh37 (hg19) VCF-style: chr11-44253924-C-T.
Other names: c.1783C>T, p.Arg595Trp (NM_000401.3); c.1714C>T, p.Arg572Trp (NM_001178083.3); c.1684C>T, p.Arg562Trp (NM_001389628.1, NM_001389630.1); short protein forms R562W, R572W, R595W.
Identifiers: ClinVar variation 1710947 (VCV001710947.7), dbSNP rs749343014, ClinGen allele CA5955335.

ClinVar aggregate classification (germline): Uncertain significance. Review status: criteria provided, multiple submitters, no conflicts (2 of 4 stars). 4 submissions from 4 submitters: Uncertain significance (4). Last evaluated 2025-12-26.

Conditions:
Exostoses, multiple, type 2 (EXT2). Also called: Hereditary Multiple Osteochondromatosis, Type II; EXOSTOSES, MULTIPLE, TYPE II. Identifiers: Orphanet 321, MedGen C1851413, MONDO:0007586, OMIM 133701.
Seizures-scoliosis-macrocephaly syndrome. Also called: Seizures, scoliosis, and macrocephaly syndrome; SEIZURES, SCOLIOSIS, AND MACROCEPHALY/MICROCEPHALY SYNDROME. Identifiers: Orphanet 466926, MedGen C4225248, MONDO:0014731, OMIM 616682.

Allele frequency attached by ClinVar (database versions not stated): ExAC 0.00002.
gnomAD v4.1: 47 of 1,613,722 alleles (0.0029%); highest among the groups gnomAD compares: Non-Finnish European, 0.0035%; no homozygotes.

Submissions (4):

Labcorp Genetics (formerly Invitae), Labcorp
Classification: Uncertain significance for Exostoses, multiple, type 2. Last evaluated: 2025-12-26. Review status: criteria provided, single submitter. Criteria: Invitae Variant Classification Sherloc (09022015). Collection method: clinical testing. Allele origin: germline.
Comment: This sequence change replaces arginine, which is basic and polar, with tryptophan, which is neutral and slightly polar, at codon 562 of the EXT2 protein (p.Arg562Trp). This variant is present in population databases (rs749343014, gnomAD 0.008%). This variant has not been reported in the literature in individuals affected with EXT2-related conditions. ClinVar contains an entry for this variant (Variation ID: 1710947). Invitae Evidence Modeling of protein sequence and biophysical properties (such as structural, functional, and spatial information, amino acid conservation, physicochemical variation, residue mobility, and thermodynamic stability) has been performed for this missense variant. However, the output from this modeling did not meet the statistical confidence thresholds required to predict the impact of this variant on EXT2 protein function. In summary, the available evidence is currently insufficient to determine the role of this variant in disease. Therefore, it has been classified as a Variant of Uncertain Significance.

Fulgent Genetics
Classification: Uncertain significance for Exostoses, multiple, type 2; Seizures-scoliosis-macrocephaly syndrome. Last evaluated: 2024-03-12. Review status: criteria provided, single submitter. Criteria: ACMG Guidelines, 2015. Collection method: clinical testing. Allele origin: germline.

GeneDx
Classification: Uncertain significance. Last evaluated: 2023-02-22. Review status: criteria provided, single submitter. Criteria: GeneDx Variant Classification Process June 2021. Collection method: clinical testing. Allele origin: germline. Affected: yes.
Comment: In silico analysis supports that this missense variant has a deleterious effect on protein structure/function; Has not been previously published as pathogenic or benign to our knowledge

St. Jude Molecular Pathology, St. Jude Children's Research Hospital
Classification: Uncertain significance for Exostoses, multiple, type 2. Last evaluated: 2022-09-22. Review status: criteria provided, single submitter. Criteria: St. Jude Assertion Criteria 2020. Collection method: clinical testing. Allele origin: germline.
Comment: The EXT2 c.1783C>T (p.Arg595Trp) missense change has a maximum subpopulation frequency of 0.008% in gnomAD v2.1.1. The in silico tool REVEL predicts a deleterious effect on protein function, but to our knowledge this prediction has not been confirmed by functional studies. To our knowledge, this variant has not been reported in individuals with hereditary multiple exostoses. In summary, the evidence currently available is insufficient to determine the clinical significance of this variant. It has therefore been classified as of uncertain significance.